The following is an entry in ClinVar:

ClinVar aggregate classification (germline): Conflicting classifications of pathogenicity. Review status: criteria provided, conflicting classifications (1 of 4 stars). 5 submissions from 5 submitters: Uncertain significance (4); Likely benign (1). Last evaluated 2026-05-23.

Conditions:
ADGRV1-related disorder. Also called: ADGRV1-related condition; ADGRV1-related disorders.
Inborn genetic diseases. Identifiers: MedGen C0950123, MeSH D030342.

Allele frequency attached by ClinVar (database versions not stated): ExAC 0.00002; gnomAD exomes 0.00002 and 0.00001; ESP Exome Variant Server 0.00008; TOPMed 0.00008; gnomAD 0.00013 and 0.00014.
gnomAD v4.1: 35 of 1,613,764 alleles (0.0022%); highest among the groups gnomAD compares: African/African-American, 0.028%; no homozygotes.

Submissions (5):

Ambry Genetics
Classification: Uncertain significance for Inborn genetic diseases. Last evaluated: 2026-05-23. Review status: criteria provided, single submitter. Criteria: Ambry Variant Classification Scheme 2023. Collection method: clinical testing. Allele origin: germline.

PreventionGenetics, part of Exact Sciences
Classification: Uncertain significance for ADGRV1-related condition. Last evaluated: 2026-05-11. Review status: criteria provided, single submitter. Criteria: ACMG Guidelines, 2015. Collection method: clinical testing. Allele origin: germline.
Comment: The ADGRV1 c.6844A>G variant is predicted to result in the amino acid substitution p.Thr2282Ala. To our knowledge, this variant has not been reported in the literature. This variant is reported in 0.029% of alleles in individuals of African descent in gnomAD. At this time, the clinical significance of this variant is uncertain due to the absence of conclusive functional and genetic evidence.

Labcorp Genetics (formerly Invitae), Labcorp
Classification: Likely benign. Last evaluated: 2025-12-24. Review status: criteria provided, single submitter. Criteria: Invitae Variant Classification Sherloc (09022015). Collection method: clinical testing. Allele origin: germline.

Blueprint Genetics
Classification: Uncertain significance. Last evaluated: 2022-03-25. Review status: criteria provided, single submitter. Criteria: ACMG Guidelines, 2015. Collection method: clinical testing. Allele origin: germline.

GeneDx
Classification: Uncertain significance. Last evaluated: 2021-08-19. Review status: criteria provided, single submitter. Criteria: GeneDx Variant Classification Process June 2021. Collection method: clinical testing. Allele origin: germline. Affected: yes.
Comment: In silico analysis supports that this missense variant has a deleterious effect on protein structure/function; Has not been previously published as pathogenic or benign to our knowledge

NM_032119.4(ADGRV1):c.6844A>G (p.Thr2282Ala)

Gene: ADGRV1 (adhesion G protein-coupled receptor V1; plus strand). Cytogenetic location: 5q14.3.
Variant type: single nucleotide variant.
Coding change: c.6844A>G on transcript NM_032119.4 (MANE Select); coding-DNA position 6844, A replaced by G.
Protein change: p.Thr2282Ala; replaces threonine 2282 with alanine.
Molecular consequence: missense variant. On other transcripts: non-coding transcript variant (1).
Genome position (GRCh38, 1-based): chr5:90,690,934, A>G. VCF-style: chr5-90690934-A-G. GRCh37 (hg19) VCF-style: chr5-89986751-A-G.
Other names: short protein forms T2282A.
Identifiers: ClinVar variation 849361 (VCV000849361.12), dbSNP rs369212457, ClinGen allele CA3339884.
Genomic context (GRCh38, chr5:90,690,934, plus strand): 5'-TCTGGGACACTCGGCAATGTTACTGTTCAGTGGGTTGCCACCATTAATGGACAGCTTGCT[A>G]CTGGCGACCTGCGAGTTGTCTCAGGTAATGTGACCTTTGCCCCTGGGGAAACCATTCAAA-3'
Protein context (NP_115495.3, residues 2272-2292): WVATINGQLA[Thr2282Ala]GDLRVVSGNV